The following is an entry in ClinVar:

ClinVar aggregate classification (germline): Benign/Likely benign. Review status: criteria provided, multiple submitters, no conflicts (2 of 4 stars). 3 submissions from 3 submitters: Benign (2); Likely benign (1). Last evaluated 2026-01-05.

Allele frequency attached by ClinVar (database versions not stated): gnomAD exomes 0.00229; ExAC 0.00233; 1000 Genomes Project 30x 0.00593; 1000 Genomes Project 0.00699; ESP Exome Variant Server 0.00009; gnomAD 0.00100 and 0.00136; TOPMed 0.00129.
gnomAD v4.1: 1,489 of 1,613,254 alleles (0.092%); highest among the groups gnomAD compares: East Asian, 2.6%; 16 homozygotes.

Submissions (3):

Labcorp Genetics (formerly Invitae), Labcorp
Classification: Benign. Last evaluated: 2026-01-05. Review status: criteria provided, single submitter. Criteria: Invitae Variant Classification Sherloc (09022015). Collection method: clinical testing. Allele origin: germline.

Blueprint Genetics
Classification: Likely benign. Last evaluated: 2024-11-07. Review status: criteria provided, single submitter. Criteria: ACMG Guidelines, 2015. Collection method: clinical testing. Allele origin: germline.

GeneDx
Classification: Benign. Last evaluated: 2019-05-22. Review status: criteria provided, single submitter. Criteria: GeneDx Variant Classification Process June 2021. Collection method: clinical testing. Allele origin: germline. Affected: yes.
Comment: This variant is associated with the following publications: (PMID: 23562982)

NM_001042517.2(DIAPH3):c.711A>T (p.Lys237Asn)

Genes: DIAPH3 (diaphanous related formin 3; minus strand), DIAPH3-AS1 (DIAPH3 antisense RNA 1; plus strand). Cytogenetic location: 13q21.2.
Variant type: single nucleotide variant.
Coding change: c.711A>T on transcript NM_001042517.2 (MANE Select); coding-DNA position 711, A replaced by T.
Protein change: p.Lys237Asn; replaces lysine 237 with asparagine.
Molecular consequence: missense variant.
Genome position (GRCh38, 1-based): chr13:60,015,973, T>A on the plus strand (A>T on the coding strand, the complement: DIAPH3 is on the minus strand). VCF-style: chr13-60015973-T-A. GRCh37 (hg19) VCF-style: chr13-60590107-T-A.
Other names: c.678A>T, p.Lys226Asn (NM_001258366.2); c.573A>T, p.Lys191Asn (NM_001258367.2); c.501A>T, p.Lys167Asn (NM_001258368.2); c.711A>T, p.Lys237Asn (NM_001258369.2); short protein forms K237N, K167N, K191N, K226N.
Identifiers: ClinVar variation 511180 (VCV000511180.14), dbSNP rs80037301, ClinGen allele CA6996915.